The following is an entry in ClinVar:

ClinVar aggregate classification (germline): Uncertain significance. Review status: criteria provided, multiple submitters, no conflicts (2 of 4 stars). 2 submissions from 2 submitters: Uncertain significance (2). Last evaluated 2026-03-19.

Conditions:
Inborn genetic diseases. Identifiers: MedGen C0950123, MeSH D030342.
Bethlem myopathy 1A. Also called: Bethlem Muscular Dystrophy; MYOPATHY, BENIGN CONGENITAL, WITH CONTRACTURES; Bethlem myopathy 1. Identifiers: Orphanet 610, MedGen CN029274, MONDO:0024530, OMIM 158810.

gnomAD v4.1: 7 of 1,614,220 alleles (0.00043%); highest among the groups gnomAD compares: Admixed American, 0.0033%; no homozygotes.

Submissions (2):

Ambry Genetics
Classification: Uncertain significance for Inborn genetic diseases. Last evaluated: 2026-03-19. Review status: criteria provided, single submitter. Criteria: Ambry Variant Classification Scheme 2023. Collection method: clinical testing. Allele origin: germline.

Labcorp Genetics (formerly Invitae), Labcorp
Classification: Uncertain significance for Bethlem myopathy 1A. Last evaluated: 2024-10-18. Review status: criteria provided, single submitter. Criteria: Invitae Variant Classification Sherloc (09022015). Collection method: clinical testing. Allele origin: germline.
Comment: This sequence change replaces asparagine, which is neutral and polar, with lysine, which is basic and polar, at codon 764 of the COL6A3 protein (p.Asn764Lys). The frequency data for this variant in the population databases is considered unreliable, as metrics indicate poor data quality at this position in the gnomAD database. This variant has not been reported in the literature in individuals affected with COL6A3-related conditions. ClinVar contains an entry for this variant (Variation ID: 2130860). Invitae Evidence Modeling of protein sequence and biophysical properties (such as structural, functional, and spatial information, amino acid conservation, physicochemical variation, residue mobility, and thermodynamic stability) indicates that this missense variant is not expected to disrupt COL6A3 protein function with a negative predictive value of 95%. In summary, the available evidence is currently insufficient to determine the role of this variant in disease. Therefore, it has been classified as a Variant of Uncertain Significance.

NM_004369.4(COL6A3):c.2292C>A (p.Asn764Lys)

Gene: COL6A3 (collagen type VI alpha 3 chain; minus strand). Cytogenetic location: 2q37.3.
Variant type: single nucleotide variant.
Coding change: c.2292C>A on transcript NM_004369.4 (MANE Select); coding-DNA position 2292, C replaced by A.
Protein change: p.Asn764Lys; replaces asparagine 764 with lysine.
Molecular consequence: missense variant. On other transcripts: intron variant (1).
Genome position (GRCh38, 1-based): chr2:237,378,841, G>T on the plus strand (C>A on the coding strand, the complement: COL6A3 is on the minus strand). VCF-style: chr2-237378841-G-T. GRCh37 (hg19) VCF-style: chr2-238287484-G-T.
Other names: c.1071C>A, p.Asn357Lys (NM_057164.5); c.1674C>A, p.Asn558Lys (NM_057165.5, NM_057167.4); c.677-1497C>A (NM_057166.5); short protein forms N357K, N764K, N558K.
Identifiers: ClinVar variation 2130860 (VCV002130860.5), dbSNP rs116066149, ClinGen allele CA351213261.
Genomic context (GRCh38, chr2:237,378,841, plus strand): 5'-TGCCTTATTCGCCTGGCTAGCTCCCACACAAAAAGTCAGGATGCCCGCGCGTGTCAAGGC[G>T]TTGGCAGCTTGCAAATAGGAGTCCTCAGACTGCCCAGCTGTGAGCAGAAGCAGGAGCTGC-3'
Protein context (NP_004360.2, residues 754-774): QSEDSYLQAA[Asn764Lys]ALTRAGILTF